The following is an entry in ClinVar:

NM_005765.3(ATP6AP2):c.1015A>G (p.Ile339Val)

Gene: ATP6AP2 (ATPase H+ transporting accessory protein 2; plus strand). Cytogenetic location: Xp11.4.
Variant type: single nucleotide variant.
Coding change: c.1015A>G on transcript NM_005765.3 (MANE Select); coding-DNA position 1015, A replaced by G.
Protein change: p.Ile339Val; replaces isoleucine 339 with valine.
Molecular consequence: missense variant.
Genome position (GRCh38, 1-based): chrX:40,605,717, A>G. VCF-style: chrX-40605717-A-G. GRCh37 (hg19) VCF-style: chrX-40464969-A-G.
Other names: short protein forms I339V.
Identifiers: ClinVar variation 854936 (VCV000854936.10), dbSNP rs1927055441, ClinGen allele CA412759246.

ClinVar aggregate classification (germline): Uncertain significance (1 of 4 stars; one submission).

Conditions:
Intellectual developmental disorder, X-linked, syndromic, Hedera type. Also called: Syndromic X-linked intellectual disability Hedera type. Identifiers: Orphanet 93952, MedGen C1845543, MONDO:0010319, OMIM 300423.

Submission:

Labcorp Genetics (formerly Invitae), Labcorp
Classification: Uncertain significance for Intellectual developmental disorder, X-linked, syndromic, Hedera type. Last evaluated: 2019-04-10. Review status: criteria provided, single submitter. Criteria: Invitae Variant Classification Sherloc (09022015). Collection method: clinical testing. Allele origin: germline.
Comment: Algorithms developed to predict the effect of missense changes on protein structure and function are either unavailable or do not agree on the potential impact of this missense change (SIFT: "Deleterious"; PolyPhen-2: "Benign"; Align-GVGD: "Class C25"). This variant has not been reported in the literature in individuals with ATP6AP2-related conditions. This variant is not present in population databases (ExAC no frequency). This sequence change replaces isoleucine with valine at codon 339 of the ATP6AP2 protein (p.Ile339Val). The isoleucine residue is highly conserved and there is a small physicochemical difference between isoleucine and valine. In summary, the available evidence is currently insufficient to determine the role of this variant in disease. Therefore, it has been classified as a Variant of Uncertain Significance.